The following is an entry in ClinVar:

ClinVar aggregate classification (germline): Pathogenic (1 of 4 stars; one submission).

Conditions:
Saldino-Mainzer syndrome (SRTD9). Also called: CONORENAL SYNDROME; Renal dysplasia, retinal pigmentary dystrophy, cerebellar ataxia and skeletal dysplasia; SHORT-RIB THORACIC DYSPLASIA 9 WITHOUT POLYDACTYLY; short-rib thoracic dysplasia 9 with or without polydactyly. Identifiers: Orphanet 140969, MedGen C1849437, MONDO:0009964, OMIM 266920.

Submission:

Labcorp Genetics (formerly Invitae), Labcorp
Classification: Pathogenic for Saldino-Mainzer syndrome. Last evaluated: 2025-04-17. Review status: criteria provided, single submitter. Criteria: Invitae Variant Classification Sherloc (09022015). Collection method: clinical testing. Allele origin: germline.
Comment: This sequence change creates a premature translational stop signal (p.Val53Glnfs*32) in the IFT140 gene. It is expected to result in an absent or disrupted protein product. Loss-of-function variants in IFT140 are known to be pathogenic (PMID: 22503633, 23418020, 24009529, 26216056). This variant is not present in population databases (gnomAD no frequency). This variant has not been reported in the literature in individuals affected with IFT140-related conditions. For these reasons, this variant has been classified as Pathogenic.

Literature cited by the submitters: PubMed 22503633; PubMed 23418020; PubMed 24009529; PubMed 26216056.

NM_014714.4(IFT140):c.157_160del (p.Val53fs)

Genes: IFT140 (intraflagellar transport 140; minus strand), LOC105371046 (uncharacterized LOC105371046; plus strand). Cytogenetic location: 16p13.3.
Variant type: Microsatellite.
Coding change: c.157_160del on transcript NM_014714.4 (MANE Select); coding-DNA positions 157 to 160, 4 bases deleted (GTGC; older notation c.157_160delGTGC).
Protein change: p.Val53fs; shifts the reading frame from valine 53.
Molecular consequence: frameshift variant.
Genome position (GRCh38, 1-based): chr16:1,602,579-1,602,582, GCAC deleted on the plus strand (GTGC on the coding strand, the reverse complement: IFT140 is on the minus strand); deleting any 4 consecutive bases within chr16:1,602,579-1,602,586 gives the same sequence; the c. name uses the placement nearest the transcript's 3' end. VCF-style (leftmost placement, unchanged base first): chr16-1602578-GGCAC-G. GRCh37 (hg19) VCF-style: chr16-1652579-GGCAC-G.
Other names: short protein forms V53fs.
Identifiers: ClinVar variation 2695135 (VCV002695135.3), dbSNP rs2508572820, ClinGen allele CA2697549643.
Genomic context (GRCh38, chr16:1,602,578, plus strand): 5'-AGCCGCGTCGGGTGCCAGCACAGGGAAGCAACCCGGAACGGCCTCTCGACGTGTGTATCT[GGCAC>G]GCACTCCCCCTGCATTGGATGAGAGGCAAATTCCCACAGTTCAGAGAGGGACAGCTACTT-3'